The following is an entry in ClinVar:

NM_001018115.3(FANCD2):c.3713T>A (p.Met1238Lys)

Genes: FANCD2 (FA complementation group D2; plus strand), FANCD2OS (FANCD2 opposite strand; minus strand). Cytogenetic location: 3p25.3.
Variant type: single nucleotide variant.
Coding change: c.3713T>A on transcript NM_001018115.3 (MANE Select); coding-DNA position 3713, T replaced by A.
Protein change: p.Met1238Lys; replaces methionine 1238 with lysine.
Molecular consequence: missense variant. On other transcripts: intron variant (1).
Genome position (GRCh38, 1-based): chr3:10,090,321, T>A. VCF-style: chr3-10090321-T-A. GRCh37 (hg19) VCF-style: chr3-10132005-T-A.
Other names: c.3713T>A (NM_001018115.2); c.3713T>A, p.Met1238Lys (NM_001374254.1, NM_033084.6, NM_001319984.2); c.*44-8790A>T (NM_173472.2); c.3602T>A, p.Met1201Lys (NM_001374253.1); short protein forms M1201K, M1238K.
Identifiers: ClinVar variation 1708505 (VCV001708505.6), dbSNP rs761089162, ClinGen allele CA2250493.

ClinVar aggregate classification (germline): Conflicting classifications of pathogenicity. Review status: criteria provided, conflicting classifications (1 of 4 stars). 4 submissions from 4 submitters: Likely pathogenic (2); Uncertain significance (2). Last evaluated 2026-07-21.

Conditions:
Fanconi anemia complementation group D2. Also called: FANCD2-Related Fanconi Anemia; FANCONI PANCYTOPENIA, TYPE 4; FANCONI ANEMIA, COMPLEMENTATION GROUP D. Identifiers: Orphanet 84, MedGen C3160738, MONDO:0009214, OMIM 227646.
FANCD2-related disorder. Also called: FANCD2-related condition.

Allele frequency attached by ClinVar (database versions not stated): TOPMed below 0.00001; ExAC 0.00001.

Submissions (4):

PreventionGenetics, part of Exact Sciences
Classification: Likely pathogenic for FANCD2-related condition. Last evaluated: 2026-07-21. Review status: criteria provided, single submitter. Criteria: ACMG Guidelines, 2015. Collection method: clinical testing. Allele origin: germline.
Comment: The FANCD2 c.3713T>A variant is predicted to result in the amino acid substitution p.Met1238Lys. This variant is predicted to alter splicing based on available splicing prediction programs (SpliceAI, Jaganathan et al. 2019. PubMed ID: 30661751). However, the use of computer prediction programs is not equivalent to functional evidence. This variant has been reported along with a second FANCD2 variant in individuals with Fanconi anemia (Li et al. 2017. PubMed ID: 28623394; Li et al. 2018. PubMed ID: 30031030; Nie et al. 2020. PubMed ID: 32487094; Shangguan et al. 2025. PubMed ID: 40726011) and functional studies suggest that this variant results in loss of function (Li et al. 2018. PubMed ID: 30031030). This variant is reported in 0.0054% of alleles in individuals of East Asian descent in gnomAD. This variant is interpreted as likely pathogenic.

Baylor Genetics
Classification: Likely pathogenic for Fanconi anemia complementation group D2. Last evaluated: 2023-12-13. Review status: criteria provided, single submitter. Criteria: ACMG Guidelines, 2015. Collection method: clinical testing. Allele origin: unknown.

Institute for Medical Genetics and Human Genetics, Charité - Universitätsmedizin Berlin
Classification: Uncertain significance for Fanconi anemia complementation group D2. Last evaluated: 2022-09-27. Review status: criteria provided, single submitter. Criteria: ACMG Guidelines, 2015. Collection method: clinical testing. Allele origin: germline. Inheritance: Autosomal recessive inheritance. Affected: yes. Observed: 1 compound heterozygote.

Juno Genomics, Hangzhou Juno Genomics, Inc
Classification: Uncertain significance for Fanconi anemia complementation group D2. Review status: criteria provided, single submitter. Criteria: ACMG Guidelines, 2015. Collection method: clinical testing. Allele origin: germline.
Comment: Absent from controls (or at extremely low frequency if recessive) in Genome Aggregation Database.;For recessive disorders, detected in trans with a pathogenic variant.;Patient's phenotype or family history is highly specific for a disease with a single genetic etiology.